The following is an entry in ClinVar:

ClinVar aggregate classification (germline): Likely benign (1 of 4 stars; one submission).

Submission:

CeGaT Center for Human Genetics Tuebingen
Classification: Likely benign. Last evaluated: 2026-08-01. Review status: criteria provided, single submitter. Criteria: CeGaT Center For Human Genetics Tuebingen Variant Classification Criteria Version 2. Collection method: clinical testing. Allele origin: germline. Affected: yes. Observed: 1 variant allele.
Comment: EP300: PM2:Supporting, BP4, BP7

NM_001429.4(EP300):c.2244T>C (p.Pro748=)

Gene: EP300 (EP300 lysine acetyltransferase; plus strand). Cytogenetic location: 22q13.2.
Variant type: single nucleotide variant.
Coding change: c.2244T>C on transcript NM_001429.4 (MANE Select); coding-DNA position 2244, T replaced by C.
Protein change: p.Pro748=; no amino-acid change (proline 748 retained).
Molecular consequence: synonymous variant.
Genome position (GRCh38, 1-based): chr22:41,149,040, T>C. VCF-style: chr22-41149040-T-C. GRCh37 (hg19) VCF-style: chr22-41545044-T-C.
Other names: c.2166T>C, p.Pro722= (NM_001362843.2).
Identifiers: ClinVar variation 5039886 (VCV005039886.1).